The following is an entry in ClinVar:

NM_015512.5(DNAH1):c.4453C>G (p.Gln1485Glu)

Gene: DNAH1 (dynein axonemal heavy chain 1; plus strand). Cytogenetic location: 3p21.1.
Variant type: single nucleotide variant.
Coding change: c.4453C>G on transcript NM_015512.5 (MANE Select); coding-DNA position 4453, C replaced by G.
Protein change: p.Gln1485Glu; replaces glutamine 1485 with glutamic acid.
Molecular consequence: missense variant.
Genome position (GRCh38, 1-based): chr3:52,359,961, C>G. VCF-style: chr3-52359961-C-G. GRCh37 (hg19) VCF-style: chr3-52393977-C-G.
Other names: short protein forms Q1485E.
Identifiers: ClinVar variation 961358 (VCV000961358.6), dbSNP rs200763734, ClinGen allele CA2433913.

ClinVar aggregate classification (germline): Uncertain significance (1 of 4 stars; one submission).

Conditions:
Spermatogenic failure 18. Identifiers: MedGen C4539783, MONDO:0054615, OMIM 617576.
Ciliary dyskinesia, primary, 37 (CILD37). Also called: CILIARY DYSKINESIA, PRIMARY, 37, WITH OR WITHOUT SITUS INVERSUS. Identifiers: MedGen C4539798, MONDO:0033204, OMIM 617577.

Allele frequency attached by ClinVar (database versions not stated): gnomAD 0.00003; TOPMed 0.00003; ExAC 0.00005; gnomAD exomes 0.00005.
gnomAD v4.1: 40 of 1,613,794 alleles (0.0025%); highest among the groups gnomAD compares: Admixed American, 0.0017%; no homozygotes.

Submission:

Labcorp Genetics (formerly Invitae), Labcorp
Classification: Uncertain significance for Ciliary dyskinesia, primary, 37; Spermatogenic failure 18. Last evaluated: 2022-07-11. Review status: criteria provided, single submitter. Criteria: Invitae Variant Classification Sherloc (09022015). Collection method: clinical testing. Allele origin: germline.
Comment: In summary, the available evidence is currently insufficient to determine the role of this variant in disease. Therefore, it has been classified as a Variant of Uncertain Significance. This sequence change replaces glutamine, which is neutral and polar, with glutamic acid, which is acidic and polar, at codon 1485 of the DNAH1 protein (p.Gln1485Glu). This variant is present in population databases (rs200763734, gnomAD 0.1%). This variant has not been reported in the literature in individuals affected with DNAH1-related conditions. ClinVar contains an entry for this variant (Variation ID: 961358). Algorithms developed to predict the effect of missense changes on protein structure and function are either unavailable or do not agree on the potential impact of this missense change (SIFT: "Deleterious"; PolyPhen-2: "Benign"; Align-GVGD: "Class C25").